The following is an entry in ClinVar:

NM_002439.5(MSH3):c.2956G>A (p.Gly986Arg)

Gene: MSH3 (mutS homolog 3; plus strand). Cytogenetic location: 5q14.1.
Variant type: single nucleotide variant.
Coding change: c.2956G>A on transcript NM_002439.5 (MANE Select); coding-DNA position 2956, G replaced by A.
Protein change: p.Gly986Arg; replaces glycine 986 with arginine.
Molecular consequence: missense variant.
Genome position (GRCh38, 1-based): chr5:80,854,272, G>A. VCF-style: chr5-80854272-G-A. GRCh37 (hg19) VCF-style: chr5-80150091-G-A.
Other names: short protein forms G986R.
Identifiers: ClinVar variation 5024841 (VCV005024841.1).

ClinVar aggregate classification (germline): Uncertain significance (1 of 4 stars; one submission).

Conditions:
Hereditary cancer-predisposing syndrome. Also called: Neoplastic Syndromes, Hereditary; Tumor predisposition; Hereditary neoplastic syndrome; Hereditary Cancer Syndrome. Identifiers: Orphanet 140162, MedGen C0027672, MeSH D009386, MONDO:0015356.

Submission:

Ambry Genetics
Classification: Uncertain significance for Hereditary cancer-predisposing syndrome. Last evaluated: 2026-09-06. Review status: criteria provided, single submitter. Criteria: Ambry Variant Classification Scheme 2023. Collection method: clinical testing. Allele origin: germline.
Comment: The p.G986R variant (also known as c.2956G>A), located in coding exon 21 of the MSH3 gene, results from a G to A substitution at nucleotide position 2956. The glycine at codon 986 is replaced by arginine, an amino acid with dissimilar properties. This amino acid position is conserved. In addition, this alteration is predicted to be deleterious by in silico analysis. Based on the available evidence, the clinical significance of this variant remains unclear.